The following is an entry in ClinVar:

ClinVar aggregate classification (germline): Conflicting classifications of pathogenicity. Review status: criteria provided, conflicting classifications (1 of 4 stars). 2 submissions from 2 submitters: Uncertain significance (1); Likely benign (1). Last evaluated 2023-12-31.

Conditions:
Hereditary cancer-predisposing syndrome. Also called: Hereditary neoplastic syndrome; Tumor predisposition; Hereditary Cancer Syndrome; Neoplastic Syndromes, Hereditary. Identifiers: Orphanet 140162, MedGen C0027672, MeSH D009386, MONDO:0015356.
Hereditary breast ovarian cancer syndrome. Also called: BRCA1- and BRCA2-Associated Hereditary Breast and Ovarian Cancer; Hereditary breast and ovarian cancer syndrome (HBOC); Hereditary breast and/or ovarian cancer syndrome; Hereditary breast and ovarian cancer syndrome; Hereditary breast and ovarian cancer; Breast and ovarian cancer. Identifiers: Orphanet 145, MedGen C0677776, MeSH D061325, MONDO:0003582. Disease mechanism: loss of function.

Submissions (2):

Labcorp Genetics (formerly Invitae), Labcorp
Classification: Uncertain significance for Hereditary breast ovarian cancer syndrome. Last evaluated: 2023-12-31. Review status: criteria provided, single submitter. Criteria: Invitae Variant Classification Sherloc (09022015). Collection method: clinical testing. Allele origin: germline.
Comment: This sequence change replaces arginine, which is basic and polar, with threonine, which is neutral and polar, at codon 1622 of the BRCA2 protein (p.Arg1622Thr). This variant is not present in population databases (gnomAD no frequency). This missense change has been observed in individual(s) with breast cancer (PMID: 20104584). This variant is also known as 5093G>C. ClinVar contains an entry for this variant (Variation ID: 220222). Advanced modeling of protein sequence and biophysical properties (such as structural, functional, and spatial information, amino acid conservation, physicochemical variation, residue mobility, and thermodynamic stability) performed at Invitae indicates that this missense variant is not expected to disrupt BRCA2 protein function with a negative predictive value of 95%. In summary, the available evidence is currently insufficient to determine the role of this variant in disease. Therefore, it has been classified as a Variant of Uncertain Significance.

University of Washington Department of Laboratory Medicine, University of Washington
Classification: Likely benign for Hereditary cancer-predisposing syndrome. Last evaluated: 2023-03-23. Review status: criteria provided, single submitter. Criteria: Dines et al. (Genet Med. 2020). Collection method: curation. Allele origin: germline.
Comment: Missense variant in a coldspot region where missense variants are very unlikely to be pathogenic (PMID:31911673).

BRCA2 exon 11 coldspot. Reclassification based on statistical prior probability.

Literature cited by the submitters: PubMed 20104584 (cited by Labcorp Genetics (formerly Invitae), Labcorp).

NM_000059.4(BRCA2):c.4865G>C (p.Arg1622Thr)

Gene: BRCA2 (BRCA2 DNA repair associated; plus strand). Cytogenetic location: 13q13.1.
Variant type: single nucleotide variant.
Coding change: c.4865G>C on transcript NM_000059.4 (MANE Select); coding-DNA position 4865, G replaced by C.
Protein change: p.Arg1622Thr; replaces arginine 1622 with threonine.
Molecular consequence: missense variant.
Genome position (GRCh38, 1-based): chr13:32,339,220, G>C. VCF-style: chr13-32339220-G-C. GRCh37 (hg19) VCF-style: chr13-32913357-G-C.
Other names: short protein forms R1622T.
Identifiers: ClinVar variation 220222 (VCV000220222.9), dbSNP rs864622427, ClinGen allele CA350255.